The following is an entry in ClinVar:

NM_001276270.2(MBD4):c.-4C>T

Genes: MBD4 (methyl-CpG binding domain 4, DNA glycosylase; minus strand), LOC129937550 (ATAC-STARR-seq lymphoblastoid active region 20512; plus strand). Cytogenetic location: 3q21.3.
Variant type: single nucleotide variant.
Coding change: c.-4C>T on transcript NM_001276270.2 (MANE Select); 4 bases upstream of the start codon, C replaced by T.
Molecular consequence: 5 prime UTR variant.
Genome position (GRCh38, 1-based): chr3:129,439,837, G>A on the plus strand (C>T on the coding strand, the complement: MBD4 is on the minus strand). VCF-style: chr3-129439837-G-A. GRCh37 (hg19) VCF-style: chr3-129158680-G-A.
Other names: c.-4C>T (NM_001276271.2, NM_001276272.2, NM_001276273.2 and 1 more transcripts).
Identifiers: ClinVar variation 4624421 (VCV004624421.1).
Genomic context (GRCh38, chr3:129,439,837, plus strand): 5'-GGTGGGGGCAGCTCCGCGGTCCCCCAGACTCAGACTCTCCAGCCCAGTCGTGCCCATCGA[G>A]CAGGGTCCGGCTGCAGCAACGAGCCCAGCGCCGCAACGCCCAGGGTGTGGGGCGGAGTAA-3'

ClinVar aggregate classification (germline): Uncertain significance (1 of 4 stars; one submission).

Conditions:
Inborn genetic diseases. Identifiers: MedGen C0950123, MeSH D030342.

Submission:

Ambry Genetics
Classification: Uncertain significance for Inborn genetic diseases. Last evaluated: 2025-11-18. Review status: criteria provided, single submitter. Criteria: Ambry Variant Classification Scheme 2023. Collection method: clinical testing. Allele origin: germline.
Comment: The c.-4C>T variant is located in the 5' untranslated region (5&rsquo; UTR) of the MBD4 gene. This variant results from a C to T substitution 4 bases upstream from the first translated codon. This nucleotide position is well conserved in available vertebrate species. Based on the available evidence, the clinical significance of this variant remains unclear.